The following is an entry in ClinVar:

ClinVar aggregate classification (germline): Uncertain significance (1 of 4 stars; one submission).

Conditions:
Aortic aneurysm, familial thoracic 7 (AAT7). Also called: AORTIC DISSECTION, FAMILIAL, WITH OR WITHOUT AORTIC ANEURYSM. Identifiers: MedGen C3151077, MONDO:0013418, OMIM 613780.

Submission:

Labcorp Genetics (formerly Invitae), Labcorp
Classification: Uncertain significance for Aortic aneurysm, familial thoracic 7. Last evaluated: 2025-02-07. Review status: criteria provided, single submitter. Criteria: Invitae Variant Classification Sherloc (09022015). Collection method: clinical testing. Allele origin: germline.
Comment: This sequence change replaces proline, which is neutral and non-polar, with serine, which is neutral and polar, at codon 404 of the MYLK protein (p.Pro404Ser). This variant is not present in population databases (gnomAD no frequency). This variant has not been reported in the literature in individuals affected with MYLK-related conditions. Invitae Evidence Modeling of protein sequence and biophysical properties (such as structural, functional, and spatial information, amino acid conservation, physicochemical variation, residue mobility, and thermodynamic stability) indicates that this missense variant is not expected to disrupt MYLK protein function with a negative predictive value of 95%. In summary, the available evidence is currently insufficient to determine the role of this variant in disease. Therefore, it has been classified as a Variant of Uncertain Significance.

NM_053025.4(MYLK):c.1210C>T (p.Pro404Ser)

Gene: MYLK (myosin light chain kinase; minus strand). Cytogenetic location: 3q21.1.
Variant type: single nucleotide variant.
Coding change: c.1210C>T on transcript NM_053025.4 (MANE Select); coding-DNA position 1210, C replaced by T.
Protein change: p.Pro404Ser; replaces proline 404 with serine.
Molecular consequence: missense variant.
Genome position (GRCh38, 1-based): chr3:123,733,786, G>A on the plus strand (C>T on the coding strand, the complement: MYLK is on the minus strand). VCF-style: chr3-123733786-G-A. GRCh37 (hg19) VCF-style: chr3-123452633-G-A.
Other names: c.682C>T, p.Pro228Ser (NM_001321309.2); c.1210C>T, p.Pro404Ser (NM_053026.4, NM_053027.4, NM_053028.4); short protein forms P228S, P404S.
Identifiers: ClinVar variation 4693017 (VCV004693017.1).